The following is an entry in ClinVar:

NM_000313.4(PROS1):c.76+31C>A

Gene: PROS1 (protein S; minus strand). Cytogenetic location: 3q11.1.
Variant type: single nucleotide variant.
Coding change: c.76+31C>A on transcript NM_000313.4 (MANE Select); 31 bases into the intron after coding-DNA position 76, C replaced by A.
Molecular consequence: intron variant.
Genome position (GRCh38, 1-based): chr3:93,973,643, G>T on the plus strand (C>A on the coding strand, the complement: PROS1 is on the minus strand). VCF-style: chr3-93973643-G-T. GRCh37 (hg19) VCF-style: chr3-93692487-G-T.
Other names: c.76+31C>A (NM_001314077.2).
Identifiers: ClinVar variation 4529464 (VCV004529464.1).

ClinVar aggregate classification (germline): Uncertain significance (0 of 4 stars; one submission).

Conditions:
Thrombophilia due to protein S deficiency, autosomal dominant (THPH5). Identifiers: Orphanet 26349, Orphanet 743, MedGen C3278211, MONDO:0012868, OMIM 612336. Disease mechanism: loss of function.

gnomAD v4.1: 395 of 1,606,602 alleles (0.025%); highest among the groups gnomAD compares: African/African-American, 0.46%; 1 homozygote.

Submission:

Department of Transfusion Medicine and Hemostaseology, University Hospital Erlangen
Classification: Uncertain significance for Thrombophilia due to protein S deficiency, autosomal dominant. Last evaluated: 2025-09-01. Review status: no assertion criteria provided. Collection method: clinical testing. Allele origin: germline.
Comment: This variant was identified during a screening of patients with suspected hereditary Protein S deficiency. Currently, no literature is available describing this variant and according to dbSNP it represents a very rare genetic alteration, previously not detected in the European population according to the Allele Frequency Aggregator dataset. While varSEAK and CAPICE classify this variant as likely benign, it is classified as of uncertain significance by SpliceAI. Taken together, we classified this variant as of uncertain significance.